The following is an entry in ClinVar:

ClinVar aggregate classification (germline): Uncertain significance (1 of 4 stars; one submission).

Conditions:
Neurofibromatosis, type 1 (NF1). Also called: VON RECKLINGHAUSEN DISEASE; Neurofibromatosis, type I; NEUROFIBROMATOSIS, TYPE I, SOMATIC; Peripheral type neurofibromatosis. Identifiers: Orphanet 636, MedGen C0027831, MONDO:0018975, OMIM 162200. Disease mechanism: loss of function.

Submission:

Labcorp Genetics (formerly Invitae), Labcorp
Classification: Uncertain significance for Neurofibromatosis, type 1. Last evaluated: 2025-06-25. Review status: criteria provided, single submitter. Criteria: Invitae Variant Classification Sherloc (09022015). Collection method: clinical testing. Allele origin: germline.
Comment: This sequence change replaces alanine, which is neutral and non-polar, with glycine, which is neutral and non-polar, at codon 2707 of the NF1 protein (p.Ala2707Gly). This variant is not present in population databases (gnomAD no frequency). This variant has not been reported in the literature in individuals affected with NF1-related conditions. Invitae Evidence Modeling of protein sequence and biophysical properties (such as structural, functional, and spatial information, amino acid conservation, physicochemical variation, residue mobility, and thermodynamic stability) has been performed for this missense variant. However, the output from this modeling did not meet the statistical confidence thresholds required to predict the impact of this variant on NF1 protein function. In summary, the available evidence is currently insufficient to determine the role of this variant in disease. Therefore, it has been classified as a Variant of Uncertain Significance.

NM_001042492.3(NF1):c.8183C>G (p.Ala2728Gly)

Gene: NF1 (neurofibromin 1; plus strand). Cytogenetic location: 17q11.2.
Variant type: single nucleotide variant.
Coding change: c.8183C>G on transcript NM_001042492.3 (MANE Select); coding-DNA position 8183, C replaced by G.
Protein change: p.Ala2728Gly; replaces alanine 2728 with glycine.
Molecular consequence: missense variant.
Genome position (GRCh38, 1-based): chr17:31,360,509, C>G. VCF-style: chr17-31360509-C-G. GRCh37 (hg19) VCF-style: chr17-29687527-C-G.
Other names: c.8120C>G, p.Ala2707Gly (NM_000267.4); short protein forms A2707G, A2728G.
Identifiers: ClinVar variation 4800813 (VCV004800813.1).